The following is an entry in ClinVar:

NM_001127496.3(SPRY4):c.820C>A (p.Arg274Ser)

Gene: SPRY4 (sprouty RTK signaling antagonist 4; minus strand). Cytogenetic location: 5q31.3.
Variant type: single nucleotide variant.
Coding change: c.820C>A on transcript NM_001127496.3 (MANE Select); coding-DNA position 820, C replaced by A.
Protein change: p.Arg274Ser; replaces arginine 274 with serine.
Molecular consequence: missense variant.
Genome position (GRCh38, 1-based): chr5:142,314,289, G>T on the plus strand (C>A on the coding strand, the complement: SPRY4 is on the minus strand). VCF-style: chr5-142314289-G-T. GRCh37 (hg19) VCF-style: chr5-141693854-G-T.
Other names: c.820C>A, p.Arg274Ser (NM_001293289.3, NM_001293290.3); c.889C>A, p.Arg297Ser (NM_030964.5); short protein forms R274S, R297S.
Identifiers: ClinVar variation 3354470 (VCV003354470.1).

ClinVar aggregate classification (germline): Uncertain significance (0 of 4 stars; one submission).

Conditions:
SPRY4-related disorder. Also called: SPRY4-related condition.

Submission:

PreventionGenetics, part of Exact Sciences
Classification: Uncertain significance for SPRY4-related condition. Last evaluated: 2024-08-24. Review status: no assertion criteria provided. Collection method: clinical testing. Allele origin: germline.
Comment: The SPRY4 c.889C>A variant is predicted to result in the amino acid substitution p.Arg297Ser. To our knowledge, this variant has not been reported in the literature or in a large population database, indicating this variant is rare. At this time, the clinical significance of this variant is uncertain due to the absence of conclusive functional and genetic evidence.